The following is an entry in ClinVar:

ClinVar aggregate classification (germline): Uncertain significance. Review status: criteria provided, multiple submitters, no conflicts (2 of 4 stars). 2 submissions from 2 submitters: Uncertain significance (2). Last evaluated 2026-07-01.

Conditions:
Familial thoracic aortic aneurysm and aortic dissection (TAAD). Also called: Thoracic aortic aneurysms and dissections. Identifiers: Orphanet 91387, MedGen C4707243, MONDO:0019625.

Submissions (2):

Ambry Genetics
Classification: Uncertain significance for Familial thoracic aortic aneurysm and aortic dissection. Last evaluated: 2026-07-01. Review status: criteria provided, single submitter. Criteria: Ambry Variant Classification Scheme 2023. Collection method: clinical testing. Allele origin: germline.
Comment: The p.P6S variant (also known as c.16C>T), located in coding exon 1 of the SMAD3 gene, results from a C to T substitution at nucleotide position 16. The proline at codon 6 is replaced by serine, an amino acid with similar properties. This amino acid position is conserved. In addition, this alteration is predicted to be tolerated by in silico analysis. Based on the available evidence, the clinical significance of this variant remains unclear.

CeGaT Center for Human Genetics Tuebingen
Classification: Uncertain significance. Last evaluated: 2025-06-01. Review status: criteria provided, single submitter. Criteria: CeGaT Center For Human Genetics Tuebingen Variant Classification Criteria Version 2. Collection method: clinical testing. Allele origin: germline. Affected: yes. Observed: 1 variant allele.
Comment: SMAD3: PM2, PP2, PP3

NM_005902.4(SMAD3):c.207-26853C>T

Gene: SMAD3 (SMAD family member 3; plus strand). Cytogenetic location: 15q22.33.
Variant type: single nucleotide variant.
Coding change: c.207-26853C>T on transcript NM_005902.4 (MANE Select); 26853 bases into the intron before coding-DNA position 207, C replaced by T.
Molecular consequence: intron variant. On other transcripts: missense variant (1), 5 prime UTR variant (1).
Genome position (GRCh38, 1-based): chr15:67,138,042, C>T. VCF-style: chr15-67138042-C-T. GRCh37 (hg19) VCF-style: chr15-67430380-C-T.
Other names: c.16C>T, p.Pro6Ser (NM_001145103.2); c.-590C>T (NM_001407016.1); c.207-26853C>T (NM_001407011.1, NM_001407013.1, NM_001407012.1); c.60-26853C>T (NM_001407014.1); c.-110+12058C>T (NM_001145102.2, NM_001407015.1); c.16C>T (NM_001145103.1); short protein forms P6S.
Identifiers: ClinVar variation 3906065 (VCV003906065.11).